The following is an entry in ClinVar:

ClinVar aggregate classification (germline): Uncertain significance (1 of 4 stars; one submission).

Conditions:
Amyotrophic lateral sclerosis type 1 (ALS1). Also called: AMYOTROPHIC LATERAL SCLEROSIS 1, FAMILIAL. Identifiers: Orphanet 803, MedGen C1862939, MONDO:0007103, OMIM 105400.
Neuronopathy, distal hereditary motor, type 7B. Also called: NEURONOPATHY, DISTAL HEREDITARY MOTOR, AUTOSOMAL DOMINANT 14; NEURONOPATHY, DISTAL HEREDITARY MOTOR, HARDING TYPE VIIB; NEUROPATHY, DISTAL HEREDITARY MOTOR, HARDING TYPE VIIB; NEUROPATHY, DISTAL HEREDITARY MOTOR, WITH VOCAL CORD PARALYSIS, HARDING TYPE VIIB; HMN VIIB; LOWER MOTOR NEURON DISEASE, DYNACTIN TYPE. Identifiers: Orphanet 139589, MedGen C1843315, MONDO:0011879, OMIM 607641.
Perry syndrome. Also called: PARKINSONISM WITH ALVEOLAR HYPOVENTILATION AND MENTAL DEPRESSION. Identifiers: Orphanet 178509, MedGen C1868594, MONDO:0008201, OMIM 168605.

gnomAD v4.1: 2 of 1,614,262 alleles (0.00012%); highest among the groups gnomAD compares: Non-Finnish European, 0.00017%; no homozygotes.

Submission:

Labcorp Genetics (formerly Invitae), Labcorp
Classification: Uncertain significance for Amyotrophic lateral sclerosis type 1; Neuronopathy, distal hereditary motor, type 7B; Perry syndrome. Last evaluated: 2022-01-05. Review status: criteria provided, single submitter. Criteria: Invitae Variant Classification Sherloc (09022015). Collection method: clinical testing. Allele origin: germline.
Comment: In summary, the available evidence is currently insufficient to determine the role of this variant in disease. Therefore, it has been classified as a Variant of Uncertain Significance. Algorithms developed to predict the effect of sequence changes on RNA splicing suggest that this variant may create or strengthen a splice site. Algorithms developed to predict the effect of missense changes on protein structure and function (SIFT, PolyPhen-2, Align-GVGD) all suggest that this variant is likely to be disruptive. This variant has not been reported in the literature in individuals affected with DCTN1-related conditions. This variant is not present in population databases (gnomAD no frequency). This sequence change replaces histidine, which is basic and polar, with arginine, which is basic and polar, at codon 603 of the DCTN1 protein (p.His603Arg).

NM_004082.5(DCTN1):c.1808A>G (p.His603Arg)

Gene: DCTN1 (dynactin subunit 1; minus strand). Cytogenetic location: 2p13.1.
Variant type: single nucleotide variant.
Coding change: c.1808A>G on transcript NM_004082.5 (MANE Select); coding-DNA position 1808, A replaced by G.
Protein change: p.His603Arg; replaces histidine 603 with arginine.
Molecular consequence: missense variant. On other transcripts: non-coding transcript variant (1).
Genome position (GRCh38, 1-based): chr2:74,368,774, T>C on the plus strand (A>G on the coding strand, the complement: DCTN1 is on the minus strand). VCF-style: chr2-74368774-T-C. GRCh37 (hg19) VCF-style: chr2-74595901-T-C.
Other names: c.1748A>G, p.His583Arg (NM_001135040.3); c.1406A>G, p.His469Arg (NM_001135041.3, NM_023019.4); c.1697A>G, p.His566Arg (NM_001190836.2); c.1787A>G, p.His596Arg (NM_001190837.2); c.1757A>G, p.His586Arg (NM_001378991.1); c.1739A>G, p.His580Arg (NM_001378992.1); short protein forms H566R, H580R, H596R, H603R, H583R, H469R, H586R.
Identifiers: ClinVar variation 1943037 (VCV001943037.5), dbSNP rs887251429, ClinGen allele CA50476116.